The following is an entry in ClinVar:

NM_002979.5(SCP2):c.469C>G (p.Pro157Ala)

Gene: SCP2 (sterol carrier protein 2; plus strand). Cytogenetic location: 1p32.3.
Variant type: single nucleotide variant.
Coding change: c.469C>G on transcript NM_002979.5 (MANE Select); coding-DNA position 469, C replaced by G.
Protein change: p.Pro157Ala; replaces proline 157 with alanine.
Molecular consequence: missense variant.
Genome position (GRCh38, 1-based): chr1:52,961,575, C>G. VCF-style: chr1-52961575-C-G. GRCh37 (hg19) VCF-style: chr1-53427247-C-G.
Other names: c.337C>G, p.Pro113Ala (NM_001007098.3, NM_001193600.2); c.397C>G, p.Pro133Ala (NM_001193599.2); c.226C>G, p.Pro76Ala (NM_001193617.2); c.469C>G, p.Pro157Ala (NM_001330587.2); short protein forms P133A, P157A, P76A, P113A.
Identifiers: ClinVar variation 1507377 (VCV001507377.8), dbSNP rs2150143503, ClinGen allele CA340377770.

ClinVar aggregate classification (germline): Uncertain significance (1 of 4 stars; one submission).

Submission:

Labcorp Genetics (formerly Invitae), Labcorp
Classification: Uncertain significance. Last evaluated: 2022-07-05. Review status: criteria provided, single submitter. Criteria: Invitae Variant Classification Sherloc (09022015). Collection method: clinical testing. Allele origin: germline.
Comment: In summary, the available evidence is currently insufficient to determine the role of this variant in disease. Therefore, it has been classified as a Variant of Uncertain Significance. Algorithms developed to predict the effect of missense changes on protein structure and function output the following: SIFT: "Deleterious"; PolyPhen-2: "Benign"; Align-GVGD: "Class C25". The alanine amino acid residue is found in multiple mammalian species, which suggests that this missense change does not adversely affect protein function. ClinVar contains an entry for this variant (Variation ID: 1507377). This variant has not been reported in the literature in individuals affected with SCP2-related conditions. This variant is not present in population databases (gnomAD no frequency). This sequence change replaces proline, which is neutral and non-polar, with alanine, which is neutral and non-polar, at codon 157 of the SCP2 protein (p.Pro157Ala).